The following is an entry in ClinVar:

ClinVar aggregate classification (germline): Uncertain significance (1 of 4 stars; one submission).

Conditions:
Brugada syndrome. Also called: Sudden unexplained nocturnal death syndrome; Sudden unexpected nocturnal death syndrome; Sudden Unexplained Death Syndrome; Sudden Unexplained Nocturnal Death Syndrome (SUNDS). Identifiers: Orphanet 130, MedGen C1142166, MONDO:0015263.

Allele frequency attached by ClinVar (database versions not stated): TOPMed below 0.00001.
gnomAD v4.1: 1 of 1,610,040 alleles (0.000062%); highest among the groups gnomAD compares: Non-Finnish European, 0.000085%; no homozygotes.

Submission:

Labcorp Genetics (formerly Invitae), Labcorp
Classification: Uncertain significance for Brugada syndrome. Last evaluated: 2022-09-10. Review status: criteria provided, single submitter. Criteria: Invitae Variant Classification Sherloc (09022015). Collection method: clinical testing. Allele origin: germline.
Comment: In summary, the available evidence is currently insufficient to determine the role of this variant in disease. Therefore, it has been classified as a Variant of Uncertain Significance. Algorithms developed to predict the effect of missense changes on protein structure and function (SIFT, PolyPhen-2, Align-GVGD) all suggest that this variant is likely to be tolerated. This variant has not been reported in the literature in individuals affected with CACNA2D1-related conditions. This variant is not present in population databases (gnomAD no frequency). This sequence change replaces leucine, which is neutral and non-polar, with isoleucine, which is neutral and non-polar, at codon 982 of the CACNA2D1 protein (p.Leu982Ile).

NM_000722.4(CACNA2D1):c.2944T>A (p.Leu982Ile)

Gene: CACNA2D1 (calcium voltage-gated channel auxiliary subunit alpha2delta 1; minus strand). Cytogenetic location: 7q21.11.
Variant type: single nucleotide variant.
Coding change: c.2944T>A on transcript NM_000722.4 (MANE Select); coding-DNA position 2944, T replaced by A.
Protein change: p.Leu982Ile; replaces leucine 982 with isoleucine.
Molecular consequence: missense variant.
Genome position (GRCh38, 1-based): chr7:81,961,916, A>T on the plus strand (T>A on the coding strand, the complement: CACNA2D1 is on the minus strand). VCF-style: chr7-81961916-A-T. GRCh37 (hg19) VCF-style: chr7-81591232-A-T.
Other names: c.2980T>A, p.Leu994Ile (NM_001366867.1); short protein forms L982I, L994I.
Identifiers: ClinVar variation 1719167 (VCV001719167.5), dbSNP rs1391044777, ClinGen allele CA367881989.